The following is an entry in ClinVar:

NM_001378743.1(CYLD):c.1292G>A (p.Gly431Glu)

Gene: CYLD (CYLD lysine 63 deubiquitinase; plus strand). Cytogenetic location: 16q12.1.
Variant type: single nucleotide variant.
Coding change: c.1292G>A on transcript NM_001378743.1 (MANE Select); coding-DNA position 1292, G replaced by A.
Protein change: p.Gly431Glu; replaces glycine 431 with glutamic acid.
Molecular consequence: missense variant. On other transcripts: non-coding transcript variant (1).
Genome position (GRCh38, 1-based): chr16:50,779,818, G>A. VCF-style: chr16-50779818-G-A. GRCh37 (hg19) VCF-style: chr16-50813729-G-A.
Other names: c.1283G>A (NM_001042355.1); c.1283G>A, p.Gly428Glu (NM_001042355.2, NM_001042412.3, NM_001378744.1 and 6 more transcripts); c.1253G>A, p.Gly418Glu (NM_001378751.1, NM_001378752.1, NM_001378753.1); c.617G>A, p.Gly206Glu (NM_001378754.1, NM_001378755.1); c.1292G>A, p.Gly431Glu (NM_015247.3); short protein forms G431E, G428E, G206E, G418E.
Identifiers: ClinVar variation 133959 (VCV000133959.6), dbSNP rs200494719, ClinGen allele CA158249.

ClinVar aggregate classification (germline): Benign/Likely benign. Review status: criteria provided, multiple submitters, no conflicts (2 of 4 stars). 5 submissions from 3 submitters: Benign (3); Likely benign (1). 1 of the submissions does not count toward it. Last evaluated 2023-07-07.

Conditions:
Trichoepithelioma, multiple familial, 1 (MFT1). Also called: BROOKE-FORDYCE TRICHOEPITHELIOMAS; EPITHELIOMA ADENOIDES CYSTICUM OF BROOKE; EPITHELIOMA, HEREDITARY MULTIPLE BENIGN CYSTIC. Identifiers: MedGen CN296585, MONDO:0042977, OMIM 601606.
Familial cylindromatosis. Also called: Turban tumor syndrome; ANCELL-SPIEGLER CYLINDROMAS. Identifiers: Orphanet 211, Orphanet 79493, MedGen C1851526, MONDO:0007565, OMIM 132700.
Brooke-Spiegler syndrome. Also called: CYLD Cutaneous Syndrome. Identifiers: Orphanet 79493, MedGen C1857941, MONDO:0011512, OMIM 605041.
Familial multiple trichoepitheliomata. Also called: Familial multiple trichoepithelioma. Identifiers: Orphanet 79493, Orphanet 867, MedGen C1275122, MONDO:0011114.

Allele frequency attached by ClinVar (database versions not stated): gnomAD below 0.00001 and 0.00024; TOPMed 0.00005; gnomAD exomes 0.00045 and 0.00090; 1000 Genomes Project 30x 0.00078; 1000 Genomes Project 0.00100; ExAC 0.00100.
gnomAD v4.1: 685 of 1,613,352 alleles (0.042%); highest among the groups gnomAD compares: South Asian, 0.72%; 9 homozygotes.

Submissions (5):

KCCC/NGS Laboratory, Kuwait Cancer Control Center
Classification: Likely benign for Trichoepithelioma, multiple familial, 1. Last evaluated: 2023-07-07. Review status: criteria provided, single submitter. Criteria: ACMG Guidelines, 2015. Collection method: clinical testing. Allele origin: germline. Affected: yes.

Illumina Laboratory Services, Illumina
Classification: Benign for Familial cylindromatosis. Last evaluated: 2018-01-12. Review status: criteria provided, single submitter. Criteria: ICSL Variant Classification Criteria 13 December 2019. Collection method: clinical testing. Allele origin: germline.
Comment: This variant was observed in the ICSL laboratory as part of a predisposition screen in an ostensibly healthy population. It had not been previously curated by ICSL or reported in the Human Gene Mutation Database (HGMD: prior to June 1st, 2018), and was therefore a candidate for classification through an automated scoring system. Utilizing variant allele frequency, disease prevalence and penetrance estimates, and inheritance mode, an automated score was calculated to assess if this variant is too frequent to cause the disease. Based on the score and internal cut-off values, a variant classified as benign is not then subjected to further curation. The score for this variant resulted in a classification of benign for this disease.

Illumina Laboratory Services, Illumina
Classification: Benign for Trichoepithelioma, multiple familial, 1. Last evaluated: 2018-01-12. Review status: criteria provided, single submitter. Criteria: ICSL Variant Classification Criteria 13 December 2019. Collection method: clinical testing. Allele origin: germline.
Comment: the same text as in the submission from Illumina Laboratory Services, Illumina above.

Illumina Laboratory Services, Illumina
Classification: Benign for Brooke-Spiegler syndrome. Last evaluated: 2018-01-12. Review status: criteria provided, single submitter. Criteria: ICSL Variant Classification Criteria 13 December 2019. Collection method: clinical testing. Allele origin: germline.
Comment: the same text as in the submission from Illumina Laboratory Services, Illumina above.

ITMI
No classification provided. Condition: AllHighlyPenetrant. Last evaluated: 2013-09-19. Review status: no classification provided. Collection method: reference population. Allele origin: germline. Not counted in ClinVar's aggregate classification.
Comment: Please see associated publication for description of ethnicities

Literature cited by the submitters: PubMed 24728327 (cited by ITMI).